The following is an entry in ClinVar:

NM_004855.5(PIGB):c.729C>T (p.Leu243=)

Gene: PIGB (phosphatidylinositol glycan anchor biosynthesis class B; plus strand). Cytogenetic location: 15q21.3.
Variant type: single nucleotide variant.
Coding change: c.729C>T on transcript NM_004855.5 (MANE Select); coding-DNA position 729, C replaced by T.
Protein change: p.Leu243=; no amino-acid change (leucine 243 retained).
Molecular consequence: synonymous variant.
Genome position (GRCh38, 1-based): chr15:55,333,942, C>T. VCF-style: chr15-55333942-C-T. GRCh37 (hg19) VCF-style: chr15-55626140-C-T.
Identifiers: ClinVar variation 1949597 (VCV001949597.4), dbSNP rs1175130528, ClinGen allele CA490431982.

ClinVar aggregate classification (germline): Uncertain significance (1 of 4 stars; one submission).

Allele frequency attached by ClinVar (database versions not stated): TOPMed below 0.00001; gnomAD 0.00001.

Submission:

Labcorp Genetics (formerly Invitae), Labcorp
Classification: Uncertain significance. Last evaluated: 2023-08-04. Review status: criteria provided, single submitter. Criteria: Invitae Variant Classification Sherloc (09022015). Collection method: clinical testing. Allele origin: germline.
Comment: This variant is not present in population databases (gnomAD no frequency). This variant has not been reported in the literature in individuals affected with PIGB-related conditions. ClinVar contains an entry for this variant (Variation ID: 1949597). Algorithms developed to predict the effect of sequence changes on RNA splicing suggest that this variant may disrupt the consensus splice site. In summary, the available evidence is currently insufficient to determine the role of this variant in disease. Therefore, it has been classified as a Variant of Uncertain Significance. This sequence change affects codon 243 of the PIGB mRNA. It is a 'silent' change, meaning that it does not change the encoded amino acid sequence of the PIGB protein.